The following is an entry in ClinVar:

ClinVar aggregate classification (germline): Conflicting classifications of pathogenicity. Review status: criteria provided, conflicting classifications (1 of 4 stars). 2 submissions from 2 submitters: Uncertain significance (1); Likely benign (1). Last evaluated 2024-04-30.

Submissions (2):

Labcorp Genetics (formerly Invitae), Labcorp
Classification: Likely benign. Last evaluated: 2024-04-30. Review status: criteria provided, single submitter. Criteria: Invitae Variant Classification Sherloc (09022015). Collection method: clinical testing. Allele origin: germline.

GeneDx
Classification: Uncertain significance. Last evaluated: 2023-03-28. Review status: criteria provided, single submitter. Criteria: GeneDx Variant Classification Process June 2021. Collection method: clinical testing. Allele origin: germline. Affected: yes.
Comment: Frameshift variant predicted to result in protein truncation or nonsense mediated decay in a gene or region of a gene for which loss of function is not a well-established mechanism of disease; Not observed at significant frequency in large population cohorts (gnomAD); Has not been previously published as pathogenic or benign to our knowledge

NM_001220.5(CAMK2B):c.1568del (p.Pro523fs)

Gene: CAMK2B (calcium/calmodulin dependent protein kinase II beta; minus strand). Cytogenetic location: 7p13.
Variant type: Deletion.
Coding change: c.1568del on transcript NM_001220.5 (MANE Select); coding-DNA position 1568, one base deleted (C; older notation c.1568delC).
Protein change: p.Pro523fs; shifts the reading frame from proline 523.
Molecular consequence: frameshift variant. On other transcripts: intron variant (8).
Genome position (GRCh38, 1-based): chr7:44,226,545, G deleted on the plus strand (C on the coding strand, the reverse complement: CAMK2B is on the minus strand); the first of 2 consecutive G bases (chr7:44,226,545-44,226,546); deleting either gives the same sequence. VCF-style (leftmost placement, unchanged base first): chr7-44226544-CG-C. GRCh37 (hg19) VCF-style: chr7-44266143-CG-C.
Other names: c.1568del (NM_001220.4); c.947-5644del (NM_172084.3); c.1150+4461del (NM_172080.3); c.1036+4461del (NM_172083.3); c.1108+4461del (NM_172081.3); c.1153+4461del (NM_172079.3, NM_172082.3); c.1225+4461del (NM_001293170.2, NM_172078.3); short protein forms P523fs.
Identifiers: ClinVar variation 2008100 (VCV002008100.5), dbSNP rs2485051580, ClinGen allele CA2578879017.